The following is an entry in ClinVar:

NM_004991.4(MECOM):c.910T>A (p.Ser304Thr)

Gene: MECOM (MDS1 and EVI1 complex locus; minus strand). Cytogenetic location: 3q26.2.
Variant type: single nucleotide variant.
Coding change: c.910T>A on transcript NM_004991.4 (MANE Select); coding-DNA position 910, T replaced by A.
Protein change: p.Ser304Thr; replaces serine 304 with threonine.
Molecular consequence: missense variant.
Genome position (GRCh38, 1-based): chr3:169,122,648, A>T on the plus strand (T>A on the coding strand, the complement: MECOM is on the minus strand). VCF-style: chr3-169122648-A-T. GRCh37 (hg19) VCF-style: chr3-168840436-A-T.
Other names: c.538T>A, p.Ser180Thr (NM_001105077.4); c.346T>A, p.Ser116Thr (NM_001105078.4, NM_001163999.2, NM_001164000.2 and 9 more transcripts); c.910T>A, p.Ser304Thr (NM_001366466.2, NM_001366473.2); short protein forms S116T, S304T, S180T.
Identifiers: ClinVar variation 4053248 (VCV004053248.1).

ClinVar aggregate classification (germline): Uncertain significance (1 of 4 stars; one submission).

Conditions:
Inborn genetic diseases. Identifiers: MedGen C0950123, MeSH D030342.

Submission:

Ambry Genetics
Classification: Uncertain significance for Inborn genetic diseases. Last evaluated: 2025-05-15. Review status: criteria provided, single submitter. Criteria: Ambry Variant Classification Scheme 2023. Collection method: clinical testing. Allele origin: germline.
Comment: The p.S304T variant (also known as c.910T>A), located in coding exon 6 of the MECOM gene, results from a T to A substitution at nucleotide position 910. The serine at codon 304 is replaced by threonine, an amino acid with similar properties. This amino acid position is conserved. In addition, the in silico prediction for this alteration is inconclusive. Based on the available evidence, the clinical significance of this variant remains unclear.